The following is an entry in ClinVar:

NM_030632.3(ASXL3):c.3571C>T (p.Leu1191Phe)

Gene: ASXL3 (ASXL transcriptional regulator 3; plus strand). Cytogenetic location: 18q12.1.
Variant type: single nucleotide variant.
Coding change: c.3571C>T on transcript NM_030632.3 (MANE Select); coding-DNA position 3571, C replaced by T.
Protein change: p.Leu1191Phe; replaces leucine 1191 with phenylalanine.
Molecular consequence: missense variant.
Genome position (GRCh38, 1-based): chr18:33,743,419, C>T. VCF-style: chr18-33743419-C-T. GRCh37 (hg19) VCF-style: chr18-31323383-C-T.
Other names: c.3571C>T (NM_030632.1); short protein forms L1191F.
Identifiers: ClinVar variation 2648651 (VCV002648651.25), dbSNP rs767622302, ClinGen allele CA8934098.

ClinVar aggregate classification (germline): Likely benign. Review status: criteria provided, multiple submitters, no conflicts (2 of 4 stars). 2 submissions from 2 submitters: Likely benign (2). Last evaluated 2026-01-01.

Conditions:
Inborn genetic diseases. Identifiers: MedGen C0950123, MeSH D030342.

Allele frequency attached by ClinVar (database versions not stated): gnomAD 0.00001; TOPMed 0.00002; gnomAD exomes 0.00003; ExAC 0.00004.
gnomAD v4.1: 45 of 1,613,222 alleles (0.0028%); highest among the groups gnomAD compares: Non-Finnish European, 0.0037%; no homozygotes.

Submissions (2):

CeGaT Center for Human Genetics Tuebingen
Classification: Likely benign. Last evaluated: 2026-01-01. Review status: criteria provided, single submitter. Criteria: CeGaT Center For Human Genetics Tuebingen Variant Classification Criteria Version 2. Collection method: clinical testing. Allele origin: germline. Affected: yes. Observed: 2 variant alleles.
Comment: ASXL3: BP4

Ambry Genetics
Classification: Likely benign for Inborn genetic diseases. Last evaluated: 2025-08-14. Review status: criteria provided, single submitter. Criteria: Ambry Variant Classification Scheme 2023. Collection method: clinical testing. Allele origin: germline.